The following is an entry in ClinVar:

ClinVar aggregate classification (germline): Likely benign (0 of 4 stars; one submission).

Conditions:
CUL4B-related disorder. Also called: CUL4B-related condition.

gnomAD v4.1: 18 of 1,207,884 alleles (0.0015%); highest among the groups gnomAD compares: Non-Finnish European, 0.0019%; no homozygotes.

Submission:

PreventionGenetics, part of Exact Sciences
Classification: Likely benign for CUL4B-related condition. Last evaluated: 2023-11-21. Review status: no assertion criteria provided. Collection method: clinical testing. Allele origin: germline.
Comment: This variant is classified as likely benign based on ACMG/AMP sequence variant interpretation guidelines (Richards et al. 2015 PMID: 25741868, with internal and published modifications).

NM_003588.4(CUL4B):c.42T>C (p.Asp14=)

Gene: CUL4B (cullin 4B; minus strand). Cytogenetic location: Xq24.
Variant type: single nucleotide variant.
Coding change: c.42T>C on transcript NM_003588.4; coding-DNA position 42, T replaced by C.
Protein change: p.Asp14=; no amino-acid change (aspartic acid 14 retained).
Molecular consequence: synonymous variant.
Genome position (GRCh38, 1-based): chrX:120,574,576, A>G on the plus strand (T>C on the coding strand, the complement: CUL4B is on the minus strand). VCF-style: chrX-120574576-A-G. GRCh37 (hg19) VCF-style: chrX-119708431-A-G.
Identifiers: ClinVar variation 3354083 (VCV003354083.1).